The following is an entry in ClinVar:

NM_002332.3(LRP1):c.10225+8G>A

Gene: LRP1 (LDL receptor related protein 1; plus strand). Cytogenetic location: 12q13.3.
Variant type: single nucleotide variant.
Coding change: c.10225+8G>A on transcript NM_002332.3 (MANE Select); 8 bases into the intron after coding-DNA position 10225, G replaced by A.
Molecular consequence: intron variant.
Genome position (GRCh38, 1-based): chr12:57,200,823, G>A. VCF-style: chr12-57200823-G-A. GRCh37 (hg19) VCF-style: chr12-57594606-G-A.
Identifiers: ClinVar variation 3033999 (VCV003033999.2), dbSNP rs766779347, ClinGen allele CA6644898.

ClinVar aggregate classification (germline): Likely benign (0 of 4 stars; one submission).

Conditions:
LRP1-related disorder. Also called: LRP1-related condition.

Allele frequency attached by ClinVar (database versions not stated): ExAC 0.00004.

Submission:

PreventionGenetics, part of Exact Sciences
Classification: Likely benign for LRP1-related condition. Last evaluated: 2019-06-11. Review status: no assertion criteria provided. Collection method: clinical testing. Allele origin: germline.
Comment: This variant is classified as likely benign based on ACMG/AMP sequence variant interpretation guidelines (Richards et al. 2015 PMID: 25741868, with internal and published modifications).